The following is an entry in ClinVar:

ClinVar aggregate classification (germline): Uncertain significance (1 of 4 stars; one submission).

gnomAD v4.1: 6 of 1,613,868 alleles (0.00037%); highest among the groups gnomAD compares: African/African-American, 0.004%; no homozygotes.

Submission:

Labcorp Genetics (formerly Invitae), Labcorp
Classification: Uncertain significance. Last evaluated: 2025-12-22. Review status: criteria provided, single submitter. Criteria: Invitae Variant Classification Sherloc (09022015). Collection method: clinical testing. Allele origin: germline.
Comment: This sequence change replaces alanine, which is neutral and non-polar, with valine, which is neutral and non-polar, at codon 551 of the ITGAM protein (p.Ala551Val). This variant is present in population databases (rs537627084, gnomAD 0.01%). This variant has not been reported in the literature in individuals affected with ITGAM-related conditions. ClinVar contains an entry for this variant (Variation ID: 3700539). An algorithm developed to predict the effect of missense changes on protein structure and function (PolyPhen-2) suggests that this variant is likely to be disruptive. In summary, the available evidence is currently insufficient to determine the role of this variant in disease. Therefore, it has been classified as a Variant of Uncertain Significance.

NM_000632.4(ITGAM):c.1652C>T (p.Ala551Val)

Gene: ITGAM (integrin subunit alpha M; plus strand). Cytogenetic location: 16p11.2.
Variant type: single nucleotide variant.
Coding change: c.1652C>T on transcript NM_000632.4 (MANE Select); coding-DNA position 1652, C replaced by T.
Protein change: p.Ala551Val; replaces alanine 551 with valine.
Molecular consequence: missense variant.
Genome position (GRCh38, 1-based): chr16:31,297,899, C>T. VCF-style: chr16-31297899-C-T. GRCh37 (hg19) VCF-style: chr16-31309220-C-T.
Other names: c.1655C>T, p.Ala552Val (NM_001145808.2); short protein forms A552V, A551V.
Identifiers: ClinVar variation 3700539 (VCV003700539.2).
Genomic context (GRCh38, chr16:31,297,899, plus strand): 5'-ATGGGGACAAGCTGACGGACGTGGCCATTGGGGCCCCAGGAGAGGAGGACAACCGGGGTG[C>T]TGTTTACCTGTTTCACGGAACCTCAGGATCTGGCATCAGCCCCTCCCATAGCCAGGTGAG-3'
Protein context (NP_000623.2, residues 541-561): GAPGEEDNRG[Ala551Val]VYLFHGTSGS